The following is an entry in ClinVar:

NM_000552.5(VWF):c.1506G>A (p.Trp502Ter)

Gene: VWF (von Willebrand factor; minus strand). Cytogenetic location: 12p13.31.
Variant type: single nucleotide variant.
Coding change: c.1506G>A on transcript NM_000552.5 (MANE Select); coding-DNA position 1506, G replaced by A.
Protein change: p.Trp502Ter; replaces tryptophan 502 with a stop codon.
Molecular consequence: nonsense.
Genome position (GRCh38, 1-based): chr12:6,062,981, C>T on the plus strand (G>A on the coding strand, the complement: VWF is on the minus strand). VCF-style: chr12-6062981-C-T. GRCh37 (hg19) VCF-style: chr12-6172147-C-T.
Other names: short protein forms W502*.
Identifiers: ClinVar variation 3075979 (VCV003075979.1), dbSNP rs1944671082, ClinGen allele CA383500480.

ClinVar aggregate classification (germline): Likely pathogenic (1 of 4 stars; one submission).

Conditions:
Hereditary von Willebrand disease. Identifiers: Orphanet 903, MedGen C5703318, MONDO:0019565. Inheritance: Autosomal recessive or Autosomal dominant.

Allele frequency attached by ClinVar (database versions not stated): gnomAD exomes below 0.00001.
gnomAD v4.1: 1 of 1,613,302 alleles (0.000062%); highest among the groups gnomAD compares: Non-Finnish European, 0.000085%; no homozygotes.

Submission:

Laboratory for Molecular Medicine, Mass General Brigham Personalized Medicine
Classification: Likely pathogenic for Hereditary von Willebrand disease. Last evaluated: 2024-02-02. Review status: criteria provided, single submitter. Criteria: ACMG Guidelines, 2015. Collection method: clinical testing. Allele origin: germline. Inheritance: Autosomal recessive inheritance.
Comment: The p.Trp502X variant in VWF has not been previously reported in individuals with Von Willebrand disease (VWD) and was absent from large population studies. This nonsense variant leads to a premature termination codon at position 502, which is predicted to lead to a truncated or absent protein. Biallelic loss of function of the VWF gene is an established disease mechanism in autosomal recessive VWD type 3. In summary, although additional studies are required to fully establish its clinical significance, this variant meets criteria to be classified as likely pathogenic for autosomal recessive VWD. ACMG/AMP Criteria applied: PVS1, PM2_Supporting.